The following is an entry in ClinVar:

NM_001035.3(RYR2):c.10501_10503delinsGCT (p.Thr3501Ala)

Gene: RYR2 (ryanodine receptor 2; plus strand). Cytogenetic location: 1q43.
Variant type: Indel.
Coding change: c.10501_10503delinsGCT on transcript NM_001035.3 (MANE Select); coding-DNA positions 10501 to 10503, ACC replaced by GCT.
Protein change: p.Thr3501Ala; replaces threonine 3501 with alanine.
Molecular consequence: missense variant.
Genome position (GRCh38, 1-based): chr1:237,718,468-237,718,470, ACC replaced by GCT. VCF-style: chr1-237718468-ACC-GCT. GRCh37 (hg19) VCF-style: chr1-237881768-ACC-GCT.
Other names: c.10501_10503delACCinsGCT (NM_001035.2); short protein forms T3501A.
Identifiers: ClinVar variation 1172356 (VCV001172356.5), dbSNP rs2149105212, ClinGen allele CA2499214602.
Genomic context (GRCh38, chr1:237,718,468, plus strand): 5'-GTGACAGTTGATGCAATAGAAGACTCCTTTTAGGTAACATATATTTCTTGACAGAAAGAT[ACC>GCT]GAGGATGAAGTACGAGATATAATCCGCAGCAATATTCATTTACAAGGCAAGGTAAGCCAA-3'
Protein context (NP_001026.2, residues 3491-3511): LAKNRFSLKD[Thr3501Ala]EDEVRDIIRS

ClinVar aggregate classification (germline): Uncertain significance. Review status: criteria provided, multiple submitters, no conflicts (2 of 4 stars). 2 submissions from 2 submitters: Uncertain significance (2). Last evaluated 2024-03-06.

Conditions:
Cardiovascular phenotype. Identifiers: MedGen CN230736.
Cardiomyopathy (CMYO). Also called: Cardiomyopathies. Identifiers: Orphanet 167848, MedGen C0878544, MONDO:0004994, HP:0001638. Inheritance: Various modes of inheritance.

Submissions (2):

Color Diagnostics, LLC DBA Color Health
Classification: Uncertain significance for Cardiomyopathy. Last evaluated: 2024-03-06. Review status: criteria provided, single submitter. Criteria: ACMG Guidelines, 2015. Collection method: clinical testing. Allele origin: germline.
Comment: This variant deletes and inserts three nucleotides resulting in replacing threonine with alanine at codon 3501 of the RYR2 protein. Computational prediction suggests that this variant may have deleterious impact on protein structure and function (internally defined REVEL score threshold >= 0.7, PMID: 27666373). To our knowledge, functional studies have not been reported for this variant. This variant has not been reported in individuals affected with cardiovascular disorders in the literature. This variant has not been identified in the general population by the Genome Aggregation Database (gnomAD). The available evidence is insufficient to determine the role of this variant in disease conclusively. Therefore, this variant is classified as a Variant of Uncertain Significance.

Ambry Genetics
Classification: Uncertain significance for Cardiovascular phenotype. Last evaluated: 2019-11-11. Review status: criteria provided, single submitter. Criteria: Ambry Variant Classification Scheme 2023. Collection method: clinical testing. Allele origin: germline.
Comment: The c.10501_10503delACCinsGCT variant (also known as p.T3501A), located in coding exon 73 of the RYR2 gene, results from an in-frame deletion of ACC and insertion of GCT at nucleotide positions 10501 to 10503. This results in the substitution of the threonine residue for an alanine residue at codon 3501, an amino acid with similar properties. This amino acid position is highly conserved in available vertebrate species. Since supporting evidence is limited at this time, the clinical significance of this alteration remains unclear.